The following is an entry in ClinVar:

NM_138370.3(PKDCC):c.1029C>T (p.Ala343=)

Gene: PKDCC (protein kinase domain containing, cytoplasmic; plus strand). Cytogenetic location: 2p21.
Variant type: single nucleotide variant.
Coding change: c.1029C>T on transcript NM_138370.3 (MANE Select); coding-DNA position 1029, C replaced by T.
Protein change: p.Ala343=; no amino-acid change (alanine 343 retained).
Molecular consequence: synonymous variant.
Genome position (GRCh38, 1-based): chr2:42,054,302, C>T. VCF-style: chr2-42054302-C-T. GRCh37 (hg19) VCF-style: chr2-42281442-C-T.
Identifiers: ClinVar variation 1597116 (VCV001597116.13), dbSNP rs55733961, ClinGen allele CA1628089.

ClinVar aggregate classification (germline): Benign/Likely benign. Review status: criteria provided, multiple submitters, no conflicts (2 of 4 stars). 3 submissions from 3 submitters: Benign (2); Likely benign (1). Last evaluated 2026-03-01.

Allele frequency attached by ClinVar (database versions not stated): gnomAD 0.00380 and 0.00407; TOPMed 0.00419; ESP Exome Variant Server 0.00438; 1000 Genomes Project 0.00479; 1000 Genomes Project 30x 0.00562.

Submissions (3):

CeGaT Center for Human Genetics Tuebingen
Classification: Likely benign. Last evaluated: 2026-03-01. Review status: criteria provided, single submitter. Criteria: CeGaT Center For Human Genetics Tuebingen Variant Classification Criteria Version 2. Collection method: clinical testing. Allele origin: germline. Affected: yes. Observed: 1 variant allele.
Comment: PKDCC: BP4, BP7, BS1

Labcorp Genetics (formerly Invitae), Labcorp
Classification: Benign. Last evaluated: 2026-01-26. Review status: criteria provided, single submitter. Criteria: Invitae Variant Classification Sherloc (09022015). Collection method: clinical testing. Allele origin: germline.

Breakthrough Genomics
Classification: Benign. Review status: criteria provided, single submitter. Criteria: ACMG Guidelines, 2015. Collection method: not provided. Allele origin: germline. Inheritance: Autosomal recessive inheritance. Affected: yes.